The following is an entry in ClinVar:

ClinVar aggregate classification (germline): Conflicting classifications of pathogenicity. Review status: criteria provided, conflicting classifications (1 of 4 stars). 10 submissions from 10 submitters: Uncertain significance (1); Likely benign (5). 4 of the submissions do not count toward it. Last evaluated 2026-01-28.

Conditions:
TTN-related disorder. Also called: TTN-related disorders; TTN-related condition; TTN-related disease.
Dilated cardiomyopathy 1G (CMD1G). Identifiers: Orphanet 154, MedGen C1858763, MONDO:0011400, OMIM 604145.
Autosomal recessive limb-girdle muscular dystrophy type 2J (LGMDR10). Also called: Limb-girdle muscular dystrophy, type 2J; MUSCULAR DYSTROPHY, LIMB-GIRDLE, AUTOSOMAL RECESSIVE 10. Identifiers: Orphanet 140922, MedGen C1837342, MONDO:0012127, OMIM 608807.
Cardiomyopathy (CMYO). Also called: Cardiomyopathies. Identifiers: Orphanet 167848, MedGen C0878544, MONDO:0004994, HP:0001638. Inheritance: Various modes of inheritance.

Allele frequency attached by ClinVar (database versions not stated): ExAC below 0.00001; gnomAD 0.00007 and 0.00008; TOPMed 0.00007; ESP Exome Variant Server 0.00032.
gnomAD v4.1: 98 of 1,545,176 alleles (0.0063%); highest among the groups gnomAD compares: Admixed American, 0.018%; no homozygotes.

Submissions (10):

Labcorp Genetics (formerly Invitae), Labcorp
Classification: Likely benign for Dilated cardiomyopathy 1G; Autosomal recessive limb-girdle muscular dystrophy type 2J. Last evaluated: 2026-01-28. Review status: criteria provided, single submitter. Criteria: Invitae Variant Classification Sherloc (09022015). Collection method: clinical testing. Allele origin: germline.

CeGaT Center for Human Genetics Tuebingen
Classification: Likely benign. Last evaluated: 2022-05-01. Review status: criteria provided, single submitter. Criteria: CeGaT Center For Human Genetics Tuebingen Variant Classification Criteria Version 2. Collection method: clinical testing. Allele origin: germline. Affected: yes. Observed: 1 variant allele.
Comment: TTN: BP4, BP7

CHEO Genetics Diagnostic Laboratory, Children's Hospital of Eastern Ontario
Classification: Likely benign for Cardiomyopathy. Last evaluated: 2021-11-01. Review status: criteria provided, single submitter. Criteria: ACMG Guidelines, 2015. Collection method: clinical testing. Allele origin: germline.

Eurofins Ntd Llc (ga)
Classification: Uncertain significance. Last evaluated: 2016-09-06. Review status: criteria provided, single submitter. Criteria: EGL Classification Definitions 2015. Collection method: clinical testing. Allele origin: germline. Observed: 1 variant allele, 1 heterozygote.

Genetic Services Laboratory, University of Chicago
Classification: Likely benign. Last evaluated: 2016-04-29. Review status: criteria provided, single submitter. Criteria: ACMG Guidelines, 2015. Collection method: clinical testing. Allele origin: germline. Affected: no.

Laboratory for Molecular Medicine, Mass General Brigham Personalized Medicine
Classification: Likely benign. Last evaluated: 2014-11-12. Review status: criteria provided, single submitter. Criteria: LMM Criteria. Collection method: clinical testing. Allele origin: germline. Observed: 1 variant allele.
Comment: p.His9113His in exon 111 of TTN: This variant is not expected to have clinical s ignificance because it does not alter an amino acid residue, is not located with in the splice consensus sequence, and has been identified in 3/6326 European Ame rican chromosomes by the NHLBI Exome Sequencing Project (n.edu/EVS; rs368973334).

PreventionGenetics, part of Exact Sciences
Classification: Likely benign for TTN-related condition. Last evaluated: 2023-08-28. Review status: no assertion criteria provided. Collection method: clinical testing. Allele origin: germline. Not counted in ClinVar's aggregate classification.
Comment: This variant is classified as likely benign based on ACMG/AMP sequence variant interpretation guidelines (Richards et al. 2015 PMID: 25741868, with internal and published modifications).

Clinical Genetics DNA and cytogenetics Diagnostics Lab, Erasmus MC, Erasmus Medical Center
Classification: Likely benign. Review status: no assertion criteria provided. Collection method: clinical testing. Allele origin: germline. Affected: yes. Study: VKGL Data-share Consensus. Not counted in ClinVar's aggregate classification.

Clinical Genetics, Academic Medical Center
Classification: Benign. Review status: no assertion criteria provided. Collection method: clinical testing. Allele origin: germline. Affected: yes. Study: VKGL Data-share Consensus. Not counted in ClinVar's aggregate classification.

Joint Genome Diagnostic Labs from Nijmegen and Maastricht, Radboudumc and MUMC+
Classification: Likely benign. Review status: no assertion criteria provided. Collection method: clinical testing. Allele origin: germline. Affected: yes. Study: VKGL Data-share Consensus. Not counted in ClinVar's aggregate classification.

NM_001267550.2(TTN):c.31071C>T (p.His10357=)

Gene: TTN (titin; minus strand). Cytogenetic location: 2q31.2.
Variant type: single nucleotide variant.
Coding change: c.31071C>T on transcript NM_001267550.2 (MANE Select); coding-DNA position 31071, C replaced by T.
Protein change: p.His10357=; no amino-acid change (histidine 10357 retained).
Molecular consequence: synonymous variant. On other transcripts: intron variant (3).
Genome position (GRCh38, 1-based): chr2:178,696,001, G>A on the plus strand (C>T on the coding strand, the complement: TTN is on the minus strand). VCF-style: chr2-178696001-G-A. GRCh37 (hg19) VCF-style: chr2-179560728-G-A.
Other names: c.27339C>T, p.His9113= (NM_133378.4); c.30120C>T, p.His10040= (NM_001256850.1); c.13282+42081C>T (NM_003319.4); c.13858+42081C>T (NM_133437.4); c.13657+42081C>T (NM_133432.3).
Identifiers: ClinVar variation 166119 (VCV000166119.54), dbSNP rs368973334, ClinGen allele CA178917.